The following is an entry in ClinVar:

NM_001267550.2(TTN):c.51786del (p.Asp17263fs)

Genes: TTN-AS1 (TTN antisense RNA 1; plus strand), TTN (titin; minus strand). Cytogenetic location: 2q31.2.
Variant type: Deletion.
Coding change: c.51786del on transcript NM_001267550.2 (MANE Select); coding-DNA position 51786, one base deleted (T; older notation c.51786delT).
Protein change: p.Asp17263fs; shifts the reading frame from aspartic acid 17263.
Molecular consequence: frameshift variant.
Genome position (GRCh38, 1-based): chr2:178,609,524, A deleted on the plus strand (T on the coding strand, the reverse complement: TTN is on the minus strand). VCF-style (leftmost placement, unchanged base first): chr2-178609523-CA-C. GRCh37 (hg19) VCF-style: chr2-179474250-CA-C.
Other names: c.24591del, p.Asp8198fs (NM_003319.4); c.44082del, p.Asp14695fs (NM_133378.4); c.24966del, p.Asp8323fs (NM_133432.3); c.25167del, p.Asp8390fs (NM_133437.4); c.46863del, p.Asp15622fs (NM_001256850.1); c.51786delT (NM_001267550.2); short protein forms D14695fs, D15622fs, D17263fs, D8198fs, D8323fs, D8390fs.
Identifiers: ClinVar variation 2632909 (VCV002632909.3), dbSNP rs2470392398, ClinGen allele CA2695197003.
Genomic context (GRCh38, chr2:178,609,523, plus strand): 5'-TTATCCATGTAATAGTTGGGTAAGGTGATCCAGAAATACTTGCATCAAGTGCTATTTCAT[CA>C]CCTCGTTTCACTTCTAGGCTTGTTCTCAGAATGACTTTGGGGGCATCTATAGTGATCATA-3'

ClinVar aggregate classification (germline): Likely pathogenic. Review status: criteria provided, multiple submitters, no conflicts (2 of 4 stars). 2 submissions from 2 submitters: Likely pathogenic (2). Last evaluated 2024-03-11.

Conditions:
TTN-related disorder. Also called: TTN-related condition; TTN-related disease; TTN-related disorders.
Dilated cardiomyopathy 1G (CMD1G). Identifiers: Orphanet 154, MedGen C1858763, MONDO:0011400, OMIM 604145.
Autosomal recessive limb-girdle muscular dystrophy type 2J (LGMDR10). Also called: MUSCULAR DYSTROPHY, LIMB-GIRDLE, AUTOSOMAL RECESSIVE 10; Limb-girdle muscular dystrophy, type 2J. Identifiers: Orphanet 140922, MedGen C1837342, MONDO:0012127, OMIM 608807.

Submissions (2):

Labcorp Genetics (formerly Invitae), Labcorp
Classification: Likely pathogenic for Dilated cardiomyopathy 1G; Autosomal recessive limb-girdle muscular dystrophy type 2J. Last evaluated: 2024-03-11. Review status: criteria provided, single submitter. Criteria: Invitae Variant Classification Sherloc (09022015). Collection method: clinical testing. Allele origin: germline.
Comment: This sequence change creates a premature translational stop signal (p.Asp17263Metfs*3) in the TTN gene. While this is not anticipated to result in nonsense mediated decay, it is expected to create a truncated TTN protein. This variant is not present in population databases (gnomAD no frequency). This variant has not been reported in the literature in individuals affected with TTN-related conditions. ClinVar contains an entry for this variant (Variation ID: 2632909). This variant is located in the A band of TTN (PMID: 25589632). Truncating variants in this region are significantly overrepresented in patients affected with dilated cardiomyopathy (PMID: 25589632). Truncating variants in this region have also been reported in individuals affected with autosomal recessive centronuclear myopathy (PMID: 23975875). In summary, the currently available evidence indicates that the variant is pathogenic, but additional data are needed to prove that conclusively. Therefore, this variant has been classified as Likely Pathogenic.

PreventionGenetics, part of Exact Sciences
Classification: Likely pathogenic for TTN-related condition. Last evaluated: 2023-04-17. Review status: criteria provided, single submitter. Criteria: ACMG Guidelines, 2015. Collection method: clinical testing. Allele origin: germline.
Comment: The TTN c.51786delT variant is predicted to result in a frameshift and premature protein termination (p.Asp17263Metfs*3). To our knowledge, this variant has not been reported in the literature or in a large population database, indicating this variant is rare. Frameshift variants in TTN are expected to be pathogenic. This variant is located within the A band of the protein and therefore, we interpret this variant as likely pathogenic for both autosomal recessive and autosomal dominant TTN-related disease.

Literature cited by the submitters: PubMed 25589632 (cited by Labcorp Genetics (formerly Invitae), Labcorp); PubMed 23975875 (cited by Labcorp Genetics (formerly Invitae), Labcorp).